The following is an entry in ClinVar:

ClinVar aggregate classification (germline): Uncertain significance (1 of 4 stars; one submission).

Submission:

Ambry Genetics
Classification: Uncertain significance. Last evaluated: 2025-08-04. Review status: criteria provided, single submitter. Criteria: Ambry Variant Classification Scheme 2023. Collection method: clinical testing. Allele origin: germline.
Comment: The p.L255P variant (also known as c.764T>C), located in coding exon 7 of the SRP72 gene, results from a T to C substitution at nucleotide position 764. The leucine at codon 255 is replaced by proline, an amino acid with similar properties. This amino acid position is conserved. In addition, this alteration is predicted to be deleterious by in silico analysis. Based on the available evidence, the clinical significance of this variant remains unclear.

NM_006947.4(SRP72):c.764T>C (p.Leu255Pro)

Gene: SRP72 (signal recognition particle 72; plus strand). Cytogenetic location: 4q12.
Variant type: single nucleotide variant.
Coding change: c.764T>C on transcript NM_006947.4 (MANE Select); coding-DNA position 764, T replaced by C.
Protein change: p.Leu255Pro; replaces leucine 255 with proline.
Molecular consequence: missense variant. On other transcripts: non-coding transcript variant (1), intron variant (1).
Genome position (GRCh38, 1-based): chr4:56,478,500, T>C. VCF-style: chr4-56478500-T-C. GRCh37 (hg19) VCF-style: chr4-57344666-T-C.
Other names: c.642+1798T>C (NM_001267722.2); short protein forms L255P.
Identifiers: ClinVar variation 4174957 (VCV004174957.1).